The following is an entry in ClinVar:

NM_198253.3(TERT):c.856G>A (p.Glu286Lys)

Gene: TERT (telomerase reverse transcriptase; minus strand). Cytogenetic location: 5p15.33.
Variant type: single nucleotide variant.
Coding change: c.856G>A on transcript NM_198253.3 (MANE Select); coding-DNA position 856, G replaced by A.
Protein change: p.Glu286Lys; replaces glutamic acid 286 with lysine.
Molecular consequence: missense variant. On other transcripts: non-coding transcript variant (2).
Genome position (GRCh38, 1-based): chr5:1,294,030, C>T on the plus strand (G>A on the coding strand, the complement: TERT is on the minus strand). VCF-style: chr5-1294030-C-T. GRCh37 (hg19) VCF-style: chr5-1294145-C-T.
Other names: c.856G>A, p.Glu286Lys (NM_001193376.3); short protein forms E286K.
Identifiers: ClinVar variation 1525102 (VCV001525102.8), dbSNP rs1346650601, ClinGen allele CA359056461.
Genomic context (GRCh38, chr5:1,294,030, plus strand): 5'-CCGCGTGGTGCTGGCGGCCCACGGATGGGTGGGAGTGGCGCGTGCCAGAGAGCGCACCCT[C>T]CAAAGAGGTGGCTTCTTCGGCGGGTCTGGCAGGTGACACCACACAGAAACCACGGTCACT-3'
Protein context (NP_937983.2, residues 276-296): ARPAEEATSL[Glu286Lys]GALSGTRHSH

ClinVar aggregate classification (germline): Uncertain significance (1 of 4 stars; one submission).

Conditions:
Idiopathic Pulmonary Fibrosis. Also called: Idiopathic fibrosing alveolitis, chronic form; idiopathic fibrosing alveolitis. Identifiers: Orphanet 2032, MedGen C1800706, MeSH D054990, MONDO:0800504.
Dyskeratosis congenita, autosomal dominant 2. Identifiers: MedGen C3151443, MONDO:0013521, OMIM 613989.

Allele frequency attached by ClinVar (database versions not stated): gnomAD exomes below 0.00001.
gnomAD v4.1: 1 of 1,598,802 alleles (0.000063%); highest among the groups gnomAD compares: Non-Finnish European, 0.000085%; no homozygotes.

Submission:

Labcorp Genetics (formerly Invitae), Labcorp
Classification: Uncertain significance for Dyskeratosis congenita, autosomal dominant 2; Idiopathic Pulmonary Fibrosis. Last evaluated: 2020-12-15. Review status: criteria provided, single submitter. Criteria: Invitae Variant Classification Sherloc (09022015). Collection method: clinical testing. Allele origin: germline.
Comment: In summary, the available evidence is currently insufficient to determine the role of this variant in disease. Therefore, it has been classified as a Variant of Uncertain Significance. This sequence change replaces glutamic acid with lysine at codon 286 of the TERT protein (p.Glu286Lys). The glutamic acid residue is weakly conserved and there is a small physicochemical difference between glutamic acid and lysine. This variant is not present in population databases (ExAC no frequency). This variant has not been reported in the literature in individuals with TERT-related conditions. Advanced modeling of protein sequence and biophysical properties (such as structural, functional, and spatial information, amino acid conservation, physicochemical variation, residue mobility, and thermodynamic stability) performed at Invitae indicates that this missense variant is not expected to disrupt TERT protein function.